The following is an entry in ClinVar:

ClinVar aggregate classification (germline): Uncertain significance (1 of 4 stars; one submission).

Allele frequency attached by ClinVar (database versions not stated): TOPMed 0.00002.
gnomAD v4.1: 2 of 1,577,098 alleles (0.00013%); highest among the groups gnomAD compares: East Asian, 0.0022%; no homozygotes.

Submission:

Labcorp Genetics (formerly Invitae), Labcorp
Classification: Uncertain significance. Last evaluated: 2025-10-01. Review status: criteria provided, single submitter. Criteria: Invitae Variant Classification Sherloc (09022015). Collection method: clinical testing. Allele origin: germline.
Comment: This sequence change replaces serine, which is neutral and polar, with asparagine, which is neutral and polar, at codon 355 of the MYLK3 protein (p.Ser355Asn). This variant is present in population databases (no rsID available, gnomAD 0.003%). This variant has not been reported in the literature in individuals affected with MYLK3-related conditions. ClinVar contains an entry for this variant (Variation ID: 1947484). An algorithm developed to predict the effect of missense changes on protein structure and function outputs the following: PolyPhen-2: "Benign". The asparagine amino acid residue is found in multiple mammalian species, which suggests that this missense change does not adversely affect protein function. In summary, the available evidence is currently insufficient to determine the role of this variant in disease. Therefore, it has been classified as a Variant of Uncertain Significance.

NM_182493.3(MYLK3):c.1064G>A (p.Ser355Asn)

Gene: MYLK3 (myosin light chain kinase 3; minus strand). Cytogenetic location: 16q11.2.
Variant type: single nucleotide variant.
Coding change: c.1064G>A on transcript NM_182493.3 (MANE Select); coding-DNA position 1064, G replaced by A.
Protein change: p.Ser355Asn; replaces serine 355 with asparagine.
Molecular consequence: missense variant.
Genome position (GRCh38, 1-based): chr16:46,732,606, C>T on the plus strand (G>A on the coding strand, the complement: MYLK3 is on the minus strand). VCF-style: chr16-46732606-C-T. GRCh37 (hg19) VCF-style: chr16-46766518-C-T.
Other names: c.41G>A, p.Ser14Asn (NM_001308301.1); short protein forms S14N, S355N.
Identifiers: ClinVar variation 1947484 (VCV001947484.5), dbSNP rs1436053423, ClinGen allele CA395793068.
Genomic context (GRCh38, chr16:46,732,606, plus strand): 5'-GGGCCCTGCTTGCCTGGCTGGGCAGCTGCTGGAGCCTCTGTGGTGAGGGTGGGTCCAAGG[C>T]TGCCCCTGCCTGTCATCAGCATCTCCCCAGGAGTATCCATCTCTTGTATGTGGATGGAGA-3'
Protein context (NP_872299.2, residues 345-365): PGEMLMTGRG[Ser355Asn]LGPTLTTEAP